The following is an entry in ClinVar:

ClinVar aggregate classification (germline): Uncertain significance (1 of 4 stars; one submission).

Conditions:
Hypercholesterolemia, autosomal dominant, 3 (FHCL3). Also called: Familial Hypercholesterolemia, Autosomal Dominant, 3; Familial hypercholesterolemia 3; PCSK9-Related Familial Hypercholesterolemia, Autosomal Dominant. Identifiers: MedGen C1863551, MONDO:0011369, OMIM 603776.

Allele frequency attached by ClinVar (database versions not stated): gnomAD exomes below 0.00001.
gnomAD v4.1: 2 of 1,576,150 alleles (0.00013%); highest among the groups gnomAD compares: Non-Finnish European, 0.00017%; no homozygotes.

Submission:

Labcorp Genetics (formerly Invitae), Labcorp
Classification: Uncertain significance for Hypercholesterolemia, autosomal dominant, 3. Last evaluated: 2016-04-29. Review status: criteria provided, single submitter. Criteria: Invitae Variant Classification Sherloc (09022015). Collection method: clinical testing. Allele origin: germline.
Comment: In summary, this variant is a rare missense change that is not predicted to affect protein function. There is no indication that it causes disease, but the available evidence is currently insufficient to prove that conclusively. Therefore, it has been classified as a Variant of Uncertain Significance. This variant is not present in population databases (ExAC no frequency) and has not been reported in the literature in individuals with a PCSK9-related disease. Algorithms developed to predict the effect of missense changes on protein structure and function (SIFT, PolyPhen-2, Align-GVGD) all suggest that this variant is likely to be tolerated, but these predictions have not been confirmed by published functional studies. This sequence change replaces glycine with arginine at codon 59 of the PCSK9 protein (p.Gly59Arg). The glycine residue is weakly conserved and there is a moderate physicochemical difference between glycine and arginine.

NM_174936.4(PCSK9):c.175G>A (p.Gly59Arg)

Gene: PCSK9 (proprotein convertase subtilisin/kexin type 9; plus strand). Cytogenetic location: 1p32.3.
Variant type: single nucleotide variant.
Coding change: c.175G>A on transcript NM_174936.4 (MANE Select); coding-DNA position 175, G replaced by A.
Protein change: p.Gly59Arg; replaces glycine 59 with arginine.
Molecular consequence: missense variant.
Genome position (GRCh38, 1-based): chr1:55,040,012, G>A. VCF-style: chr1-55040012-G-A. GRCh37 (hg19) VCF-style: chr1-55505685-G-A.
Other names: short protein forms G59R.
Identifiers: ClinVar variation 405335 (VCV000405335.7), dbSNP rs1060500657, ClinGen allele CA16610150.